The following is an entry in ClinVar:

NM_006348.5(COG5):c.293-18A>G

Gene: COG5 (component of oligomeric golgi complex 5; minus strand). Cytogenetic location: 7q22.3.
Variant type: single nucleotide variant.
Coding change: c.293-18A>G on transcript NM_006348.5 (MANE Select); 18 bases into the intron before coding-DNA position 293, A replaced by G.
Molecular consequence: intron variant.
Genome position (GRCh38, 1-based): chr7:107,548,350, T>C on the plus strand (A>G on the coding strand, the complement: COG5 is on the minus strand). VCF-style: chr7-107548350-T-C. GRCh37 (hg19) VCF-style: chr7-107188795-T-C.
Other names: c.234+9626A>G (NM_001379516.1); c.293-18A>G (NM_001379515.1, NM_001379511.1, NM_001379514.1 and 4 more transcripts).
Identifiers: ClinVar variation 382953 (VCV000382953.10), dbSNP rs75441879, ClinGen allele CA4431452.

ClinVar aggregate classification (germline): Benign. Review status: criteria provided, multiple submitters, no conflicts (2 of 4 stars). 2 submissions from 2 submitters: Benign (2). Last evaluated 2026-01-26.

Conditions:
COG5-congenital disorder of glycosylation. Also called: CONGENITAL DISORDER OF GLYCOSYLATION, TYPE IIi; CDG IIi; COG5-CDG. Identifiers: Orphanet 263487, MedGen C3150876, MONDO:0013325, OMIM 613612.

Allele frequency attached by ClinVar (database versions not stated): ESP Exome Variant Server 0.00008; gnomAD exomes 0.00070 and 0.00206; gnomAD 0.00083 and 0.00108; TOPMed 0.00099; ExAC 0.00199; 1000 Genomes Project 30x 0.00406; 1000 Genomes Project 0.00419.
gnomAD v4.1: 1,330 of 1,612,570 alleles (0.082%); highest among the groups gnomAD compares: East Asian, 2%; 16 homozygotes.

Submissions (2):

Labcorp Genetics (formerly Invitae), Labcorp
Classification: Benign for COG5-congenital disorder of glycosylation. Last evaluated: 2026-01-26. Review status: criteria provided, single submitter. Criteria: Invitae Variant Classification Sherloc (09022015). Collection method: clinical testing. Allele origin: germline.

GeneDx
Classification: Benign. Last evaluated: 2016-07-01. Review status: criteria provided, single submitter. Criteria: GeneDx Variant Classification (06012015). Collection method: clinical testing. Allele origin: germline. Affected: yes.
Comment: This variant is considered likely benign or benign based on one or more of the following criteria: it is a conservative change, it occurs at a poorly conserved position in the protein, it is predicted to be benign by multiple in silico algorithms, and/or has population frequency not consistent with disease.